The following is an entry in ClinVar:

ClinVar aggregate classification (germline): Uncertain significance (1 of 4 stars; one submission).

Conditions:
DGUOK-related disorder. Also called: DGUOK-related condition.

Submission:

PreventionGenetics, part of Exact Sciences
Classification: Uncertain significance for DGUOK-related condition. Last evaluated: 2025-09-09. Review status: criteria provided, single submitter. Criteria: ACMG Guidelines, 2015. Collection method: clinical testing. Allele origin: germline.
Comment: The DGUOK c.233T>C variant is predicted to result in the amino acid substitution p.Ile78Thr. To our knowledge, this variant has not been reported in the literature or in a large population database (gnomAD), indicating this variant is rare. At this time, the clinical significance of this variant is uncertain due to the absence of conclusive functional and genetic evidence.

NM_080916.3(DGUOK):c.233T>C (p.Ile78Thr)

Gene: DGUOK (deoxyguanosine kinase; plus strand). Cytogenetic location: 2p13.1.
Variant type: single nucleotide variant.
Coding change: c.233T>C on transcript NM_080916.3 (MANE Select); coding-DNA position 233, T replaced by C.
Protein change: p.Ile78Thr; replaces isoleucine 78 with threonine.
Molecular consequence: missense variant. On other transcripts: intron variant (4).
Genome position (GRCh38, 1-based): chr2:73,939,000, T>C. VCF-style: chr2-73939000-T-C. GRCh37 (hg19) VCF-style: chr2-74166127-T-C.
Other names: c.233T>C, p.Ile78Thr (NM_001318859.2, NM_080918.3); c.-37+6317T>C (NM_001318861.2, NM_001318862.2); c.-36-7719T>C (NM_001318860.2, NM_001318863.2); short protein forms I78T.
Identifiers: ClinVar variation 4991439 (VCV004991439.1).
Genomic context (GRCh38, chr2:73,939,000, plus strand): 5'-TCACGAAAACTTACCCAGAATGGCACGTAGCTACAGAACCTGTAGCAACATGGCAGAATA[T>C]CCAGGCTGCTGGCACCCAAAAAGTAAGTTTTTAGTTGTGGTGGGTAGTTGGCAGGCATGG-3'
Protein context (NP_550438.1, residues 68-88): ATEPVATWQN[Ile78Thr]QAAGTQKACT